The following is an entry in ClinVar:

NM_000214.3(JAG1):c.2519A>G (p.Asn840Ser)

Gene: JAG1 (jagged canonical Notch ligand 1; minus strand). Cytogenetic location: 20p12.2.
Variant type: single nucleotide variant.
Coding change: c.2519A>G on transcript NM_000214.3 (MANE Select); coding-DNA position 2519, A replaced by G.
Protein change: p.Asn840Ser; replaces asparagine 840 with serine.
Molecular consequence: missense variant.
Genome position (GRCh38, 1-based): chr20:10,642,541, T>C on the plus strand (A>G on the coding strand, the complement: JAG1 is on the minus strand). VCF-style: chr20-10642541-T-C. GRCh37 (hg19) VCF-style: chr20-10623189-T-C.
Other names: short protein forms N840S.
Identifiers: ClinVar variation 1406230 (VCV001406230.6), dbSNP rs1568792705, ClinGen allele CA408245576.

ClinVar aggregate classification (germline): Uncertain significance (1 of 4 stars; one submission).

Conditions:
Alagille syndrome due to a JAG1 point mutation. Also called: JAG1-Related Alagille Syndrome; Alagille Syndrome 1; HEPATIC DUCTULAR HYPOPLASIA, SYNDROMATIC. Identifiers: Orphanet 261619, Orphanet 52, MedGen C1956125, MONDO:0016862, OMIM 118450.

Allele frequency attached by ClinVar (database versions not stated): gnomAD exomes below 0.00001; gnomAD 0.00001.
gnomAD v4.1: 2 of 1,613,960 alleles (0.00012%); highest among the groups gnomAD compares: Non-Finnish European, 0.00017%; no homozygotes.

Submission:

Labcorp Genetics (formerly Invitae), Labcorp
Classification: Uncertain significance for Alagille syndrome due to a JAG1 point mutation. Last evaluated: 2022-09-06. Review status: criteria provided, single submitter. Criteria: Invitae Variant Classification Sherloc (09022015). Collection method: clinical testing. Allele origin: germline.
Comment: This variant is not present in population databases (gnomAD no frequency). In summary, the available evidence is currently insufficient to determine the role of this variant in disease. Therefore, it has been classified as a Variant of Uncertain Significance. Algorithms developed to predict the effect of missense changes on protein structure and function (SIFT, PolyPhen-2, Align-GVGD) all suggest that this variant is likely to be disruptive. ClinVar contains an entry for this variant (Variation ID: 1406230). This variant has not been reported in the literature in individuals affected with JAG1-related conditions. This sequence change replaces asparagine, which is neutral and polar, with serine, which is neutral and polar, at codon 840 of the JAG1 protein (p.Asn840Ser).